The following is an entry in ClinVar:

NM_020717.5(SHROOM4):c.2165G>A (p.Arg722His)

Gene: SHROOM4 (shroom family member 4; minus strand). Cytogenetic location: Xp11.22.
Variant type: single nucleotide variant.
Coding change: c.2165G>A on transcript NM_020717.5 (MANE Select); coding-DNA position 2165, G replaced by A.
Protein change: p.Arg722His; replaces arginine 722 with histidine.
Molecular consequence: missense variant. On other transcripts: non-coding transcript variant (4).
Genome position (GRCh38, 1-based): chrX:50,633,908, C>T on the plus strand (G>A on the coding strand, the complement: SHROOM4 is on the minus strand). VCF-style: chrX-50633908-C-T. GRCh37 (hg19) VCF-style: chrX-50376908-C-T.
Other names: short protein forms R722H.
Identifiers: ClinVar variation 3041687 (VCV003041687.3), dbSNP rs3761506, ClinGen allele CA10416156.

ClinVar aggregate classification (germline): Likely benign. Review status: criteria provided, single submitter (1 of 4 stars). 2 submissions from 2 submitters: Likely benign (1). 1 of the submissions does not count toward it. Last evaluated 2024-11-08.

Conditions:
SHROOM4-related disorder. Also called: SHROOM4-related condition.

Allele frequency attached by ClinVar (database versions not stated): ESP Exome Variant Server 0.00047; gnomAD exomes 0.00076 and 0.00168; gnomAD 0.00109 and 0.00111; TOPMed 0.00128 and 0.00194; ExAC 0.00134; 1000 Genomes Project 30x 0.00395; 1000 Genomes Project 0.00477.
gnomAD v4.1: 979 of 1,210,199 alleles (0.081%); highest among the groups gnomAD compares: East Asian, 2.4%; 6 homozygotes.

Submissions (2):

Blueprint Genetics
Classification: Likely benign. Last evaluated: 2024-11-08. Review status: criteria provided, single submitter. Criteria: ACMG Guidelines, 2015. Collection method: clinical testing. Allele origin: germline.

PreventionGenetics, part of Exact Sciences
Classification: Benign for SHROOM4-related condition. Last evaluated: 2019-05-13. Review status: no assertion criteria provided. Collection method: clinical testing. Allele origin: germline. Not counted in ClinVar's aggregate classification.
Comment: This variant is classified as benign based on ACMG/AMP sequence variant interpretation guidelines (Richards et al. 2015 PMID: 25741868, with internal and published modifications).